The following is an entry in ClinVar:

ClinVar aggregate classification (germline): Uncertain significance (1 of 4 stars; one submission).

Conditions:
Episodic kinesigenic dyskinesia (EKD). Also called: Paroxysmal kinesigenic dyskinesia. Identifiers: Orphanet 98809, MedGen C1868682, MONDO:0044202.

Submission:

Labcorp Genetics (formerly Invitae), Labcorp
Classification: Uncertain significance for Episodic kinesigenic dyskinesia. Last evaluated: 2022-11-12. Review status: criteria provided, single submitter. Criteria: Invitae Variant Classification Sherloc (09022015). Collection method: clinical testing. Allele origin: germline.
Comment: In summary, the available evidence is currently insufficient to determine the role of this variant in disease. Therefore, it has been classified as a Variant of Uncertain Significance. This variant has not been reported in the literature in individuals affected with PRRT2-related conditions. Advanced modeling of protein sequence and biophysical properties (such as structural, functional, and spatial information, amino acid conservation, physicochemical variation, residue mobility, and thermodynamic stability) performed at Invitae indicates that this missense variant is not expected to disrupt PRRT2 protein function. This variant is not present in population databases (gnomAD no frequency). This sequence change replaces proline, which is neutral and non-polar, with serine, which is neutral and polar, at codon 104 of the PRRT2 protein (p.Pro104Ser).

NM_145239.3(PRRT2):c.310C>T (p.Pro104Ser)

Genes: MVP-DT (MVP divergent transcript; minus strand), PRRT2 (proline rich transmembrane protein 2; plus strand). Cytogenetic location: 16p11.2.
Variant type: single nucleotide variant.
Coding change: c.310C>T on transcript NM_145239.3 (MANE Select); coding-DNA position 310, C replaced by T.
Protein change: p.Pro104Ser; replaces proline 104 with serine.
Molecular consequence: missense variant.
Genome position (GRCh38, 1-based): chr16:29,813,364, C>T. VCF-style: chr16-29813364-C-T. GRCh37 (hg19) VCF-style: chr16-29824685-C-T.
Other names: c.310C>T, p.Pro104Ser (NM_001256442.2, NM_001256443.2); short protein forms P104S.
Identifiers: ClinVar variation 2958083 (VCV002958083.3), dbSNP rs1900076184, ClinGen allele CA395478133.